The following is an entry in ClinVar:

ClinVar aggregate classification (germline): Benign. Review status: reviewed by expert panel (3 of 4 stars). 5 submissions from 5 submitters: Benign (1). 4 of the submissions do not count toward it. Last evaluated 2025-02-28.

Conditions:
CDKL5 disorder. Identifiers: MedGen CN296942, MONDO:0100039.
Developmental and epileptic encephalopathy, 2 (DEE2). Also called: INFANTILE SPASM SYNDROME, X-LINKED 2; CDKL5 deficiency disorder. Identifiers: Orphanet 1934, Orphanet 3451, Orphanet 505652, MedGen C4750718, MONDO:0010396, OMIM 300672.
Angelman syndrome-like. Identifiers: MedGen CN128785.

Allele frequency attached by ClinVar (database versions not stated): ExAC 0.00002; gnomAD exomes 0.00002 and 0.00005; gnomAD 0.00003; TOPMed 0.00005; ESP Exome Variant Server 0.00009.
gnomAD v4.1: 54 of 1,210,023 alleles (0.0045%); highest among the groups gnomAD compares: Non-Finnish European, 0.0058%; no homozygotes.

Submissions (5):

ClinGen Rett and Angelman-like Disorders Variant Curation Expert Panel
Classification: Benign for CDKL5 disorder. Last evaluated: 2025-02-28. Review status: reviewed by expert panel. Criteria: ClinGen RettAS ACMG Specifications CDKL5 V4.0.0. Collection method: curation. Allele origin: germline. Inheritance: X-linked inheritance.
Comment: The highest population minor allele frequency of the c.2086G>A (p.Ala696Thr) variant in CDKL5 in gnomAD v4.1 is 0.00005 in the European (non-Finnish) population (not sufficient to meet BS1 criteria). The p.Ala696Thr variant is observed in at least 2 unaffected individuals (GeneDx: internal database) (BS2). The p.Ala696Thr variant is found in at least 3 patients with an alternate molecular basis of disease (GeneDx: internal database) (BP5_Strong). The computational predictor REVEL gives a score of 0.198, which is below the threshold of 0.290, evidence that does not predict a damaging effect on CDKL5 function (BP4). In summary, the p.Ala696Thr variant in CDKL5 is classified as Benign based on the ACMG/AMP criteria (BS2, BP4, BP5_Strong). (CDKL5 Specifications v4.0; curation approved on 02/28/2025).

Labcorp Genetics (formerly Invitae), Labcorp
Classification: Likely benign for Developmental and epileptic encephalopathy, 2; Angelman syndrome-like. Last evaluated: 2025-10-20. Review status: criteria provided, single submitter. Criteria: Invitae Variant Classification Sherloc (09022015). Collection method: clinical testing. Allele origin: germline. Not counted in ClinVar's aggregate classification.

Athena Diagnostics
Classification: Uncertain significance. Last evaluated: 2025-01-23. Review status: criteria provided, single submitter. Criteria: Athena Diagnostics Criteria. Collection method: clinical testing. Allele origin: unknown. Not counted in ClinVar's aggregate classification.
Comment: Available data are insufficient to determine the clinical significance of the variant at this time. The frequency of this variant in the general population is higher than would generally be expected for pathogenic variants in this gene. Polyphen and MutationTaster predict this amino acid change may be benign.

Women's Health and Genetics/Laboratory Corporation of America, LabCorp
Classification: Uncertain significance. Last evaluated: 2024-09-10. Review status: criteria provided, single submitter. Criteria: LabCorp Variant Classification Summary - May 2015. Collection method: clinical testing. Allele origin: germline. Not counted in ClinVar's aggregate classification.
Comment: Variant summary: CDKL5 c.2086G>A (p.Ala696Thr) results in a non-conservative amino acid change in the encoded protein sequence. Four of five in-silico tools predict a benign effect of the variant on protein function. The variant allele was found at a frequency of 1.6e-05 in 183354 control chromosomes, predominantly at a frequency of 3.7e-05 within the Non-Finnish European subpopulation in the gnomAD database. The available data on variant occurrences in the general population are insufficient to allow any conclusion about variant significance. To our knowledge, no occurrence of c.2086G>A in individuals affected with Early Infantile Epileptic Encephalopathy 2 and no experimental evidence demonstrating its impact on protein function have been reported. ClinVar contains an entry for this variant (Variation ID: 507662). Based on the evidence outlined above, the variant was classified as uncertain significance.

GeneDx
Classification: Likely benign. Last evaluated: 2017-02-27. Review status: criteria provided, single submitter. Criteria: GeneDx Variant Classification (06012015). Collection method: clinical testing. Allele origin: germline. Affected: yes. Not counted in ClinVar's aggregate classification.
Comment: This variant is considered likely benign or benign based on one or more of the following criteria: it is a conservative change, it occurs at a poorly conserved position in the protein, it is predicted to be benign by multiple in silico algorithms, and/or has population frequency not consistent with disease.

NM_001323289.2(CDKL5):c.2086G>A (p.Ala696Thr)

Gene: CDKL5 (cyclin dependent kinase like 5; plus strand). Cytogenetic location: Xp22.13.
Variant type: single nucleotide variant.
Coding change: c.2086G>A on transcript NM_001323289.2 (MANE Select); coding-DNA position 2086, G replaced by A.
Protein change: p.Ala696Thr; replaces alanine 696 with threonine.
Molecular consequence: missense variant.
Genome position (GRCh38, 1-based): chrX:18,609,504, G>A. VCF-style: chrX-18609504-G-A. GRCh37 (hg19) VCF-style: chrX-18627624-G-A.
Other names: NM_001323289.2(CDKL5):c.2086G>A; p.Ala696Thr; c.2086G>A, p.Ala696Thr (NM_001037343.2, NM_003159.3); short protein forms A696T.
Identifiers: ClinVar variation 507662 (VCV000507662.15), dbSNP rs374518046, ClinGen allele CA10360459.